The following is an entry in ClinVar:

ClinVar aggregate classification (germline): Uncertain significance (1 of 4 stars; one submission).

Conditions:
Atrioventricular septal defect 4 (AVSD4). Identifiers: MedGen C3280781, MONDO:0013747, OMIM 614430.

Submission:

Labcorp Genetics (formerly Invitae), Labcorp
Classification: Uncertain significance for Atrioventricular septal defect 4. Last evaluated: 2021-06-01. Review status: criteria provided, single submitter. Criteria: Invitae Variant Classification Sherloc (09022015). Collection method: clinical testing. Allele origin: germline.
Comment: In summary, the available evidence is currently insufficient to determine the role of this variant in disease. Therefore, it has been classified as a Variant of Uncertain Significance. Algorithms developed to predict the effect of missense changes on protein structure and function are either unavailable or do not agree on the potential impact of this missense change (SIFT: "Tolerated"; PolyPhen-2: "Possibly Damaging"; Align-GVGD: "Class C0"). This variant has not been reported in the literature in individuals with GATA4-related conditions. This variant is not present in population databases (ExAC no frequency). This sequence change replaces isoleucine with valine at codon 440 of the GATA4 protein (p.Ile440Val). The isoleucine residue is weakly conserved and there is a small physicochemical difference between isoleucine and valine.

NM_001308093.3(GATA4):c.1321A>G (p.Ile441Val)

Gene: GATA4 (GATA binding protein 4). Cytogenetic location: 8p23.1.
Variant type: single nucleotide variant.
Coding change: c.1321A>G on transcript NM_001308093.3 (MANE Select); coding-DNA position 1321, A replaced by G.
Protein change: p.Ile441Val; replaces isoleucine 441 with valine.
Molecular consequence: missense variant.
Genome position (GRCh38, 1-based): chr8:11,758,464, A>G. VCF-style: chr8-11758464-A-G. GRCh37 (hg19) VCF-style: chr8-11615973-A-G.
Other names: c.700A>G, p.Ile234Val (NM_001308094.2, NM_001374273.1); c.574A>G, p.Ile192Val (NM_001374274.1); c.1318A>G, p.Ile440Val (NM_002052.5); short protein forms I440V, I441V, I234V, I192V.
Identifiers: ClinVar variation 1358333 (VCV001358333.8), dbSNP rs2130356211, ClinGen allele CA370315876.
Genomic context (GRCh38, chr8:11,758,464, plus strand): 5'-ACCAGCTCCAAGCAGGACTCTTGGAACAGCCTGGTCTTGGCCGACAGTCACGGGGACATA[A>G]TCACTGCGTAATCTTCCCTCTTCCCTCCTCAAATTCCTGCACGGACCTGGGACTTGGAGG-3'
Protein context (NP_001295022.1, residues 431-443): LVLADSHGDI[Ile441Val]TA